The following is an entry in ClinVar:

ClinVar aggregate classification (germline): Uncertain significance (1 of 4 stars; one submission).

Conditions:
MAGEL2-related disorder. Also called: MAGEL2-related condition.

Submission:

PreventionGenetics, part of Exact Sciences
Classification: Uncertain significance for MAGEL2-related condition. Last evaluated: 2026-04-15. Review status: criteria provided, single submitter. Criteria: ACMG Guidelines, 2015. Collection method: clinical testing. Allele origin: germline.
Comment: The MAGEL2 c.1947T>G variant is predicted to result in the amino acid substitution p.Phe649Leu. To our knowledge, this variant has not been reported in the literature or in a large population database (gnomAD), indicating this variant is rare. At this time, the clinical significance of this variant is uncertain due to the absence of conclusive functional and genetic evidence.

NM_019066.5(MAGEL2):c.1947T>G (p.Phe649Leu)

Gene: MAGEL2 (MAGE family member L2; minus strand). Cytogenetic location: 15q11.2.
Variant type: single nucleotide variant.
Coding change: c.1947T>G on transcript NM_019066.5 (MANE Select); coding-DNA position 1947, T replaced by G.
Protein change: p.Phe649Leu; replaces phenylalanine 649 with leucine.
Molecular consequence: missense variant.
Genome position (GRCh38, 1-based): chr15:23,645,796, A>C on the plus strand (T>G on the coding strand, the complement: MAGEL2 is on the minus strand). VCF-style: chr15-23645796-A-C. GRCh37 (hg19) VCF-style: chr15-23890943-A-C.
Other names: short protein forms F649L.
Identifiers: ClinVar variation 4996397 (VCV004996397.1).